The following is an entry in ClinVar:

ClinVar aggregate classification (germline): Uncertain significance (1 of 4 stars; one submission).

Conditions:
Autosomal recessive limb-girdle muscular dystrophy type 2J (LGMDR10). Also called: Limb-girdle muscular dystrophy, type 2J; MUSCULAR DYSTROPHY, LIMB-GIRDLE, AUTOSOMAL RECESSIVE 10. Identifiers: Orphanet 140922, MedGen C1837342, MONDO:0012127, OMIM 608807.
Dilated cardiomyopathy 1G (CMD1G). Identifiers: Orphanet 154, MedGen C1858763, MONDO:0011400, OMIM 604145.

Allele frequency attached by ClinVar (database versions not stated): gnomAD exomes below 0.00001.
gnomAD v4.1: 4 of 1,610,448 alleles (0.00025%); highest among the groups gnomAD compares: Non-Finnish European, 0.00034%; no homozygotes.

Submission:

Labcorp Genetics (formerly Invitae), Labcorp
Classification: Uncertain significance for Dilated cardiomyopathy 1G; Autosomal recessive limb-girdle muscular dystrophy type 2J. Last evaluated: 2017-11-16. Review status: criteria provided, single submitter. Criteria: Invitae Variant Classification Sherloc (09022015). Collection method: clinical testing. Allele origin: germline.
Comment: This sequence change falls in intron 255 of the TTN gene. It does not directly change the encoded amino acid sequence of the TTN protein. This variant is not present in population databases (ExAC no frequency). This variant has not been reported in the literature in individuals with a TTN-related disease. This variant identified in the TTN gene is located in the A band of the resulting protein (PMID: 25589632). It is unclear how this variant impacts the function of this protein. Algorithms developed to predict the effect of sequence changes on RNA splicing suggest that this variant may create or strengthen a splice site, but this prediction has not been confirmed by published transcriptional studies. In summary, this variant has uncertain impact on TTN function. The available evidence is currently insufficient to determine its role in disease. Therefore, it has been classified as a Variant of Uncertain Significance.

Literature cited by the submitters: PubMed 25589632.

NM_001267550.2(TTN):c.47875+9A>G

Genes: TTN-AS1 (TTN antisense RNA 1; plus strand), TTN (titin; minus strand). Cytogenetic location: 2q31.2.
Variant type: single nucleotide variant.
Coding change: c.47875+9A>G on transcript NM_001267550.2 (MANE Select); 9 bases into the intron after coding-DNA position 47875, A replaced by G.
Molecular consequence: intron variant.
Genome position (GRCh38, 1-based): chr2:178,617,111, T>C on the plus strand (A>G on the coding strand, the complement: TTN is on the minus strand). VCF-style: chr2-178617111-T-C. GRCh37 (hg19) VCF-style: chr2-179481838-T-C.
Other names: c.20680+9A>G (NM_003319.4); c.21256+9A>G (NM_133437.4); c.21055+9A>G (NM_133432.3); c.40171+9A>G (NM_133378.4); c.42952+9A>G (NM_001256850.1).
Identifiers: ClinVar variation 467194 (VCV000467194.3), dbSNP rs1553708222, ClinGen allele CA430274351.